The following is an entry in ClinVar:

ClinVar aggregate classification (germline): Uncertain significance (1 of 4 stars; one submission).

Conditions:
Marfan syndrome (MFS). Also called: FBN1-Related Marfan Syndrome; MARFAN SYNDROME, TYPE I; Marfan syndrome type 1; Marfan's syndrome; Marfan syndrome, classic. Identifiers: Orphanet 284963, Orphanet 558, MedGen C0024796, MONDO:0007947, OMIM 154700.
Familial thoracic aortic aneurysm and aortic dissection (TAAD). Also called: Thoracic aortic aneurysms and dissections. Identifiers: Orphanet 91387, MedGen C4707243, MONDO:0019625.

Allele frequency attached by ClinVar (database versions not stated): gnomAD exomes below 0.00001.
gnomAD v4.1: 2 of 1,612,398 alleles (0.00012%); highest among the groups gnomAD compares: Admixed American, 0.0017%; no homozygotes.

Submission:

Labcorp Genetics (formerly Invitae), Labcorp
Classification: Uncertain significance for Marfan syndrome; Familial thoracic aortic aneurysm and aortic dissection. Last evaluated: 2020-03-10. Review status: criteria provided, single submitter. Criteria: Invitae Variant Classification Sherloc (09022015). Collection method: clinical testing. Allele origin: germline.
Comment: This sequence change replaces proline with leucine at codon 2134 of the FBN1 protein (p.Pro2134Leu). The proline residue is moderately conserved and there is a moderate physicochemical difference between proline and leucine. This variant is not present in population databases (ExAC no frequency). This variant has not been reported in the literature in individuals with FBN1-related conditions. Algorithms developed to predict the effect of missense changes on protein structure and function are either unavailable or do not agree on the potential impact of this missense change (SIFT: "Deleterious"; PolyPhen-2: "Probably Damaging"; Align-GVGD: "Class C0"). In summary, the available evidence is currently insufficient to determine the role of this variant in disease. Therefore, it has been classified as a Variant of Uncertain Significance.

NM_000138.5(FBN1):c.6401C>T (p.Pro2134Leu)

Gene: FBN1 (fibrillin 1; minus strand). Cytogenetic location: 15q21.1.
Variant type: single nucleotide variant.
Coding change: c.6401C>T on transcript NM_000138.5 (MANE Select); coding-DNA position 6401, C replaced by T.
Protein change: p.Pro2134Leu; replaces proline 2134 with leucine.
Molecular consequence: missense variant.
Genome position (GRCh38, 1-based): chr15:48,437,056, G>A on the plus strand (C>T on the coding strand, the complement: FBN1 is on the minus strand). VCF-style: chr15-48437056-G-A. GRCh37 (hg19) VCF-style: chr15-48729253-G-A.
Other names: short protein forms P2134L.
Identifiers: ClinVar variation 1061380 (VCV001061380.9), dbSNP rs1566896102, ClinGen allele CA392336667.
Genomic context (GRCh38, chr15:48,437,056, plus strand): 5'-GGACACTCGCAGCGATAGGAACCATCTGTATTGATGCACTGTCCATGTTTACAGACATCG[G>A]GTTCTTTGCATTCGTCCATATCTTAAGCAAGAGAAAAAAAATAGTGAATAACAAGGTATT-3'
Protein context (NP_000129.3, residues 2124-2144): SAVDMDECKE[Pro2134Leu]DVCKHGQCIN